The following is an entry in ClinVar:

NM_001378609.3(OTOGL):c.4828C>T (p.His1610Tyr)

Gene: OTOGL (otogelin like; plus strand). Cytogenetic location: 12q21.31.
Variant type: single nucleotide variant.
Coding change: c.4828C>T on transcript NM_001378609.3 (MANE Select); coding-DNA position 4828, C replaced by T.
Protein change: p.His1610Tyr; replaces histidine 1610 with tyrosine.
Molecular consequence: missense variant.
Genome position (GRCh38, 1-based): chr12:80,336,972, C>T. VCF-style: chr12-80336972-C-T. GRCh37 (hg19) VCF-style: chr12-80730752-C-T.
Other names: c.4693C>T, p.His1565Tyr (NM_001368062.3); c.4828C>T, p.His1610Tyr (NM_001378610.3, NM_173591.7); short protein forms H1565Y, H1610Y.
Identifiers: ClinVar variation 3884660 (VCV003884660.4).

ClinVar aggregate classification (germline): Uncertain significance. Review status: criteria provided, multiple submitters, no conflicts (2 of 4 stars). 3 submissions from 3 submitters: Uncertain significance (3). Last evaluated 2026-04-29.

Conditions:
OTOGL-related disorder. Also called: OTOGL-related condition.
Inborn genetic diseases. Identifiers: MedGen C0950123, MeSH D030342.

gnomAD v4.1: 86 of 1,592,680 alleles (0.0054%); highest among the groups gnomAD compares: Non-Finnish European, 0.0065%; no homozygotes.

Submissions (3):

PreventionGenetics, part of Exact Sciences
Classification: Uncertain significance for OTOGL-related condition. Last evaluated: 2026-04-29. Review status: criteria provided, single submitter. Criteria: ACMG Guidelines, 2015. Collection method: clinical testing. Allele origin: germline.
Comment: The OTOGL c.4801C>T variant is predicted to result in the amino acid substitution p.His1601Tyr. To our knowledge, this variant has not been reported in the literature. This variant is reported in 0.012% of alleles in individuals of East Asian descent in gnomAD. At this time, the clinical significance of this variant is uncertain due to the absence of conclusive functional and genetic evidence.

GeneDx
Classification: Uncertain significance. Last evaluated: 2026-02-25. Review status: criteria provided, single submitter. Criteria: GeneDx Variant Classification Process June 2021. Collection method: clinical testing. Allele origin: germline.
Comment: In silico analysis suggests that this missense variant does not alter protein structure/function; Has not been previously published as pathogenic or benign to our knowledge

Ambry Genetics
Classification: Uncertain significance for Inborn genetic diseases. Last evaluated: 2025-01-08. Review status: criteria provided, single submitter. Criteria: Ambry Variant Classification Scheme 2023. Collection method: clinical testing. Allele origin: germline.